The following is an entry in ClinVar:

ClinVar aggregate classification (germline): Benign. Review status: criteria provided, multiple submitters, no conflicts (2 of 4 stars). 3 submissions from 3 submitters: Benign (3). Last evaluated 2024-07-15.

Allele frequency attached by ClinVar (database versions not stated): gnomAD exomes 0.18311; gnomAD 0.19805 and 0.21229; TOPMed 0.22156; 1000 Genomes Project 30x 0.36196; 1000 Genomes Project 0.37121.
gnomAD v4.1: 276,830 of 1,478,162 alleles (19%); highest among the groups gnomAD compares: East Asian, 70%; 35,734 homozygotes.

Submissions (3):

Unidad de Genómica Garrahan, Hospital de Pediatría Garrahan
Classification: Benign. Last evaluated: 2024-07-15. Review status: criteria provided, single submitter. Criteria: ACMG Guidelines, 2015. Collection method: clinical testing. Allele origin: germline. Affected: no. Observed: 47 variant alleles.
Comment: This variant is classified as Benign based on local population frequency. This variant was detected in 51% of patients studied in a panel designed for Epileptic and Developmental Encephalopathy and Progressive Myoclonus Epilepsy. Number of patients: 47. Only high quality variants are reported.

GeneDx
Classification: Benign. Last evaluated: 2018-06-24. Review status: criteria provided, single submitter. Criteria: GeneDx Variant Classification Process June 2021. Collection method: clinical testing. Allele origin: germline. Affected: yes.

Breakthrough Genomics
Classification: Benign. Review status: criteria provided, single submitter. Criteria: ACMG Guidelines, 2015. Collection method: not provided. Allele origin: germline. Inheritance: Autosomal dominant inheritance. Affected: yes.

NM_024426.6(WT1):c.785-57C>T

Gene: WT1 (WT1 transcription factor; minus strand). Cytogenetic location: 11p13.
Variant type: single nucleotide variant.
Coding change: c.785-57C>T on transcript NM_024426.6 (MANE Select); 57 bases into the intron before coding-DNA position 785, C replaced by T.
Molecular consequence: intron variant.
Genome position (GRCh38, 1-based): chr11:32,428,115, G>A on the plus strand (C>T on the coding strand, the complement: WT1 is on the minus strand). VCF-style: chr11-32428115-G-A. GRCh37 (hg19) VCF-style: chr11-32449661-G-A.
Other names: c.662-57C>T (NM_001407050.1, NM_001407047.1); c.785-57C>T (NM_001407048.1, NM_001407049.1, NM_000378.6 and 4 more transcripts); c.23-57C>T (NM_001407051.1); c.134-57C>T (NM_001198552.2, NM_001198551.2).
Identifiers: ClinVar variation 1292785 (VCV001292785.6), dbSNP rs2234585, ClinGen allele CA13458869.
Genomic context (GRCh38, chr11:32,428,115, plus strand): 5'-TCACCTGCAGAGAGAACCGAAGACAGCTGAGCGAGTGCGCCCCAAGGGCTCGGGGTGCGA[G>A]GCTGCGGGCAGGGGTTGGGGGAGACACGAGATCCTGAGCCTGGGGCACTGGGGCCTGGAT-3'